The following is an entry in ClinVar:

ClinVar aggregate classification (germline): Uncertain significance (1 of 4 stars; one submission).

gnomAD v4.1: 1 of 1,608,122 alleles (0.000062%); highest among the groups gnomAD compares: Non-Finnish European, 0.000085%; no homozygotes.

Submission:

Labcorp Genetics (formerly Invitae), Labcorp
Classification: Uncertain significance. Last evaluated: 2022-11-19. Review status: criteria provided, single submitter. Criteria: Invitae Variant Classification Sherloc (09022015). Collection method: clinical testing. Allele origin: germline.
Comment: In summary, the available evidence is currently insufficient to determine the role of this variant in disease. Therefore, it has been classified as a Variant of Uncertain Significance. This sequence change replaces aspartic acid, which is acidic and polar, with glutamic acid, which is acidic and polar, at codon 296 of the ROR2 protein (p.Asp296Glu). This variant is not present in population databases (gnomAD no frequency). This variant has not been reported in the literature in individuals affected with ROR2-related conditions. Advanced modeling of protein sequence and biophysical properties (such as structural, functional, and spatial information, amino acid conservation, physicochemical variation, residue mobility, and thermodynamic stability) performed at Invitae indicates that this missense variant is not expected to disrupt ROR2 protein function.

NM_004560.4(ROR2):c.888C>G (p.Asp296Glu)

Gene: ROR2 (receptor tyrosine kinase like orphan receptor 2; minus strand). Cytogenetic location: 9q22.31.
Variant type: single nucleotide variant.
Coding change: c.888C>G on transcript NM_004560.4 (MANE Select); coding-DNA position 888, C replaced by G.
Protein change: p.Asp296Glu; replaces aspartic acid 296 with glutamic acid.
Molecular consequence: missense variant.
Genome position (GRCh38, 1-based): chr9:91,733,171, G>C on the plus strand (C>G on the coding strand, the complement: ROR2 is on the minus strand). VCF-style: chr9-91733171-G-C. GRCh37 (hg19) VCF-style: chr9-94495453-G-C.
Other names: c.888C>G, p.Asp296Glu (NM_001318204.2); short protein forms D296E.
Identifiers: ClinVar variation 2815337 (VCV002815337.3), dbSNP rs755825636, ClinGen allele CA373800715.
Genomic context (GRCh38, chr9:91,733,171, plus strand): 5'-CGGGCACTCACAGCGGCCCAGCCTCTCGGCTGGGATGCCAATGCGCATGCAGTTGGCAGC[G>C]TCGGGGCTCTCAGGCATGGGCAGCGCCTCACACTTGGGCAGCTGAAGCCGCATGAGGATG-3'
Protein context (NP_004551.2, residues 286-306): CEALPMPESP[Asp296Glu]AANCMRIGIP